The following is an entry in ClinVar:

NC_000016.10:g.(?_77247952)_(77284071_?)del

Gene: ADAMTS18 (ADAM metallopeptidase with thrombospondin type 1 motif 18; minus strand). Cytogenetic location: 16q23.1.
Variant type: Deletion.
Identifiers: ClinVar variation 830604 (VCV000830604.1).

ClinVar aggregate classification (germline): Uncertain significance (1 of 4 stars; one submission).

Submission:

Labcorp Genetics (formerly Invitae), Labcorp
Classification: Uncertain significance. Last evaluated: 2019-12-18. Review status: criteria provided, single submitter. Criteria: Invitae Variant Classification Sherloc (09022015). Collection method: clinical testing. Allele origin: germline.
Comment: This variant is a gross deletion of the genomic region encompassing exon 23 of the ADAMTS18 gene. The 5' boundary is likely confined to intron 22. The 3' end of this event is unknown as it extends through the termination codon beyond the assayed region for this gene and may encompass additional genes. While this deletion is not anticipated to result in nonsense mediated decay, it is expected to create a truncated protein product or disrupt mRNA translation. This variant has not been reported in the literature in individuals with ADAMTS18-related conditions. In summary, the available evidence is currently insufficient to determine the role of this variant in disease. Therefore, it has been classified as a Variant of Uncertain Significance.